The following is an entry in ClinVar:

NM_024642.5(GALNT12):c.136G>A (p.Gly46Arg)

Gene: GALNT12 (polypeptide N-acetylgalactosaminyltransferase 12; plus strand). Cytogenetic location: 9q22.33.
Variant type: single nucleotide variant.
Coding change: c.136G>A on transcript NM_024642.5 (MANE Select); coding-DNA position 136, G replaced by A.
Protein change: p.Gly46Arg; replaces glycine 46 with arginine.
Molecular consequence: missense variant.
Genome position (GRCh38, 1-based): chr9:98,807,834, G>A. VCF-style: chr9-98807834-G-A. GRCh37 (hg19) VCF-style: chr9-101570116-G-A.
Other names: short protein forms G46R.
Identifiers: ClinVar variation 485632 (VCV000485632.22), dbSNP rs10987768, ClinGen allele CA5153898.

ClinVar aggregate classification (germline): Benign/Likely benign. Review status: criteria provided, multiple submitters, no conflicts (2 of 4 stars). 7 submissions from 7 submitters: Benign (4); Likely benign (2). 1 of the submissions does not count toward it. Last evaluated 2026-04-22.

Conditions:
GALNT12-related disorder. Also called: GALNT12-related condition.
Colorectal cancer, susceptibility to, 1. Also called: COLORECTAL ADENOMA AND CANCER, SUSCEPTIBILITY TO; COLORECTAL CANCER, SUSCEPTIBILITY TO, ON CHROMOSOME 9. Identifiers: MedGen C1837315, MONDO:0012132, OMIM 608812.

Allele frequency attached by ClinVar (database versions not stated): TOPMed 0.03354; gnomAD 0.03464 and 0.02982; 1000 Genomes Project 0.07808; gnomAD exomes 0.01923 and 0.01813; ExAC below 0.00001.
gnomAD v4.1: 21,281 of 1,018,778 alleles (2.1%); highest among the groups gnomAD compares: East Asian, 20%; 685 homozygotes.

Submissions (7):

Myriad Genetics, Inc.
Classification: Benign for Colorectal cancer, susceptibility to, 1. Last evaluated: 2026-04-22. Review status: criteria provided, single submitter. Criteria: Myriad Autosomal Dominant, Autosomal Recessive and X-Linked Classification Criteria (2023). Collection method: clinical testing. Allele origin: unknown.
Comment: This variant is considered benign. This variant has been observed at a population frequency that is significantly greater than expected given the associated disease prevalence and penetrance.

Labcorp Genetics (formerly Invitae), Labcorp
Classification: Benign. Last evaluated: 2026-02-03. Review status: criteria provided, single submitter. Criteria: Invitae Variant Classification Sherloc (09022015). Collection method: clinical testing. Allele origin: germline.

Department of Pathology and Laboratory Medicine, Sinai Health System
Classification: Benign for Colorectal cancer, susceptibility to, 1. Last evaluated: 2021-09-15. Review status: criteria provided, single submitter. Criteria: ACMG Guidelines, 2015. Collection method: clinical testing. Allele origin: germline. Affected: yes.

GeneDx
Classification: Likely benign. Last evaluated: 2021-04-19. Review status: criteria provided, single submitter. Criteria: GeneDx Variant Classification Process June 2021. Collection method: clinical testing. Allele origin: germline. Affected: yes.

Ambry Genetics
Classification: Benign. Last evaluated: 2016-08-10. Review status: criteria provided, single submitter. Criteria: Ambry Variant Classification Scheme 2023. Collection method: clinical testing. Allele origin: germline.

Breakthrough Genomics
Classification: Likely benign. Review status: criteria provided, single submitter. Criteria: ACMG Guidelines, 2015. Collection method: not provided. Allele origin: germline. Inheritance: Unknown mechanism. Affected: yes.

PreventionGenetics, part of Exact Sciences
Classification: Benign for GALNT12-related condition. Last evaluated: 2021-05-24. Review status: no assertion criteria provided. Collection method: clinical testing. Allele origin: germline. Not counted in ClinVar's aggregate classification.
Comment: This variant is classified as benign based on ACMG/AMP sequence variant interpretation guidelines (Richards et al. 2015 PMID: 25741868, with internal and published modifications).